The following is an entry in ClinVar:

ClinVar aggregate classification (germline): Uncertain significance (1 of 4 stars; one submission).

Submission:

Labcorp Genetics (formerly Invitae), Labcorp
Classification: Uncertain significance. Last evaluated: 2020-10-19. Review status: criteria provided, single submitter. Criteria: Invitae Variant Classification Sherloc (09022015). Collection method: clinical testing. Allele origin: germline.
Comment: In summary, the available evidence is currently insufficient to determine the role of this variant in disease. Therefore, it has been classified as a Variant of Uncertain Significance. Algorithms developed to predict the effect of missense changes on protein structure and function are either unavailable or do not agree on the potential impact of this missense change (SIFT: "Tolerated"; PolyPhen-2: "Probably Damaging"; Align-GVGD: "Class C15"). This variant has not been reported in the literature in individuals with DUOX2-related conditions. This variant is not present in population databases (ExAC no frequency). This sequence change replaces tyrosine with asparagine at codon 413 of the DUOX2 protein (p.Tyr413Asn). The tyrosine residue is highly conserved and there is a large physicochemical difference between tyrosine and asparagine.

NM_001363711.2(DUOX2):c.1237T>A (p.Tyr413Asn)

Gene: DUOX2 (dual oxidase 2; minus strand). Cytogenetic location: 15q21.1.
Variant type: single nucleotide variant.
Coding change: c.1237T>A on transcript NM_001363711.2 (MANE Select); coding-DNA position 1237, T replaced by A.
Protein change: p.Tyr413Asn; replaces tyrosine 413 with asparagine.
Molecular consequence: missense variant.
Genome position (GRCh38, 1-based): chr15:45,108,950, A>T on the plus strand (T>A on the coding strand, the complement: DUOX2 is on the minus strand). VCF-style: chr15-45108950-A-T. GRCh37 (hg19) VCF-style: chr15-45401148-A-T.
Other names: c.1237T>A, p.Tyr413Asn (NM_014080.5); short protein forms Y413N.
Identifiers: ClinVar variation 1000218 (VCV001000218.8), dbSNP rs1894305672, ClinGen allele CA392277060.